The following is an entry in ClinVar:

ClinVar aggregate classification (germline): Uncertain significance (1 of 4 stars; one submission).

Submission:

Labcorp Genetics (formerly Invitae), Labcorp
Classification: Uncertain significance. Last evaluated: 2022-03-02. Review status: criteria provided, single submitter. Criteria: Invitae Variant Classification Sherloc (09022015). Collection method: clinical testing. Allele origin: germline.
Comment: In summary, the available evidence is currently insufficient to determine the role of this variant in disease. Therefore, it has been classified as a Variant of Uncertain Significance. Algorithms developed to predict the effect of missense changes on protein structure and function are either unavailable or do not agree on the potential impact of this missense change (SIFT: "Deleterious"; PolyPhen-2: "Probably Damaging"; Align-GVGD: "Class C15"). This variant has not been reported in the literature in individuals affected with WDR11-related conditions. This variant is not present in population databases (gnomAD no frequency). This sequence change replaces leucine, which is neutral and non-polar, with phenylalanine, which is neutral and non-polar, at codon 1070 of the WDR11 protein (p.Leu1070Phe).

NM_018117.12(WDR11):c.3208C>T (p.Leu1070Phe)

Gene: WDR11 (WD repeat domain 11; plus strand). Cytogenetic location: 10q26.12.
Variant type: single nucleotide variant.
Coding change: c.3208C>T on transcript NM_018117.12 (MANE Select); coding-DNA position 3208, C replaced by T.
Protein change: p.Leu1070Phe; replaces leucine 1070 with phenylalanine.
Molecular consequence: missense variant.
Genome position (GRCh38, 1-based): chr10:120,905,333, C>T. VCF-style: chr10-120905333-C-T. GRCh37 (hg19) VCF-style: chr10-122664845-C-T.
Other names: short protein forms L1070F.
Identifiers: ClinVar variation 1482878 (VCV001482878.6), dbSNP rs2133817191, ClinGen allele CA378315709.